The following is an entry in ClinVar:

NM_005359.6(SMAD4):c.1353G>T (p.Ala451=)

Gene: SMAD4 (SMAD family member 4; plus strand). Cytogenetic location: 18q21.2.
Variant type: single nucleotide variant.
Coding change: c.1353G>T on transcript NM_005359.6 (MANE Select); coding-DNA position 1353, G replaced by T.
Protein change: p.Ala451=; no amino-acid change (alanine 451 retained).
Molecular consequence: synonymous variant.
Genome position (GRCh38, 1-based): chr18:51,076,682, G>T. VCF-style: chr18-51076682-G-T. GRCh37 (hg19) VCF-style: chr18-48603052-G-T.
Identifiers: ClinVar variation 757124 (VCV000757124.11), dbSNP rs1441353791, ClinGen allele CA503873832.

ClinVar aggregate classification (germline): Benign/Likely benign. Review status: criteria provided, multiple submitters, no conflicts (2 of 4 stars). 3 submissions from 3 submitters: Benign (1); Likely benign (2). Last evaluated 2025-03-21.

Conditions:
Juvenile polyposis syndrome (JPS). Identifiers: Orphanet 2929, MedGen C0345893, MONDO:0017380, OMIM 174900.
Hereditary cancer-predisposing syndrome. Also called: Hereditary neoplastic syndrome; Neoplastic Syndromes, Hereditary; Tumor predisposition; Hereditary Cancer Syndrome. Identifiers: Orphanet 140162, MedGen C0027672, MeSH D009386, MONDO:0015356.
Familial thoracic aortic aneurysm and aortic dissection (TAAD). Also called: Thoracic aortic aneurysms and dissections. Identifiers: Orphanet 91387, MedGen C4707243, MONDO:0019625.
Juvenile polyposis/hereditary hemorrhagic telangiectasia syndrome (JPHT). Also called: Juvenile Polyposis Syndrome / Hereditary Hemorrhagic Telangiectasia (JPS/HHT); JP/HHT SYNDROME; JUVENILE POLYPOSIS WITH HEREDITARY HEMORRHAGIC TELANGIECTASIA; POLYPOSIS, GENERALIZED JUVENILE, WITH PULMONARY ARTERIOVENOUS MALFORMATION; TELANGIECTASIA, HEREDITARY HEMORRHAGIC, WITH JUVENILE POLYPOSIS COLI. Identifiers: Orphanet 2929, MedGen C1832942, MONDO:0008278, OMIM 175050.

Submissions (3):

Myriad Genetics, Inc.
Classification: Benign for Juvenile polyposis/hereditary hemorrhagic telangiectasia syndrome. Last evaluated: 2025-03-21. Review status: criteria provided, single submitter. Criteria: Myriad Autosomal Dominant, Autosomal Recessive and X-Linked Classification Criteria (2023). Collection method: clinical testing. Allele origin: unknown.
Comment: This variant is considered benign. This variant is a silent/synonymous amino acid change and it is not expected to impact splicing.

Ambry Genetics
Classification: Likely benign for Hereditary cancer-predisposing syndrome; Familial thoracic aortic aneurysm and aortic dissection. Last evaluated: 2023-06-02. Review status: criteria provided, single submitter. Criteria: Ambry Variant Classification Scheme 2023. Collection method: clinical testing. Allele origin: germline.

Labcorp Genetics (formerly Invitae), Labcorp
Classification: Likely benign for Juvenile polyposis syndrome. Last evaluated: 2022-02-09. Review status: criteria provided, single submitter. Criteria: Invitae Variant Classification Sherloc (09022015). Collection method: clinical testing. Allele origin: germline.